The following is an entry in ClinVar:

ClinVar aggregate classification (germline): Uncertain significance. Review status: criteria provided, multiple submitters, no conflicts (2 of 4 stars). 3 submissions from 3 submitters: Uncertain significance (3). Last evaluated 2025-10-21.

Conditions:
Inborn genetic diseases. Identifiers: MedGen C0950123, MeSH D030342.
Galloway-Mowat syndrome 1 (GAMOS1). Identifiers: Orphanet 2065, Orphanet 83472, MedGen C4551772, MONDO:0033005, OMIM 251300.

Allele frequency attached by ClinVar (database versions not stated): ExAC 0.00013; gnomAD exomes 0.00004; TOPMed 0.00006.
gnomAD v4.1: 26 of 1,612,448 alleles (0.0016%); highest among the groups gnomAD compares: Admixed American, 0.043%; no homozygotes.

Submissions (3):

Ambry Genetics
Classification: Uncertain significance for Inborn genetic diseases. Last evaluated: 2025-10-21. Review status: criteria provided, single submitter. Criteria: Ambry Variant Classification Scheme 2023. Collection method: clinical testing. Allele origin: germline.

Fulgent Genetics
Classification: Uncertain significance for Galloway-Mowat syndrome 1. Last evaluated: 2024-03-06. Review status: criteria provided, single submitter. Criteria: ACMG Guidelines, 2015. Collection method: clinical testing. Allele origin: germline.

Labcorp Genetics (formerly Invitae), Labcorp
Classification: Uncertain significance. Last evaluated: 2024-01-15. Review status: criteria provided, single submitter. Criteria: Invitae Variant Classification Sherloc (09022015). Collection method: clinical testing. Allele origin: germline.
Comment: This sequence change replaces glycine, which is neutral and non-polar, with valine, which is neutral and non-polar, at codon 286 of the WDR73 protein (p.Gly286Val). This variant is present in population databases (rs746926275, gnomAD 0.07%). This variant has not been reported in the literature in individuals affected with WDR73-related conditions. ClinVar contains an entry for this variant (Variation ID: 2160070). Advanced modeling of protein sequence and biophysical properties (such as structural, functional, and spatial information, amino acid conservation, physicochemical variation, residue mobility, and thermodynamic stability) performed at Invitae indicates that this missense variant is not expected to disrupt WDR73 protein function with a negative predictive value of 80%. In summary, the available evidence is currently insufficient to determine the role of this variant in disease. Therefore, it has been classified as a Variant of Uncertain Significance.

NM_032856.5(WDR73):c.857G>T (p.Gly286Val)

Gene: WDR73 (WD repeat domain 73; minus strand). Cytogenetic location: 15q25.2.
Variant type: single nucleotide variant.
Coding change: c.857G>T on transcript NM_032856.5 (MANE Select); coding-DNA position 857, G replaced by T.
Protein change: p.Gly286Val; replaces glycine 286 with valine.
Molecular consequence: missense variant. On other transcripts: non-coding transcript variant (4).
Genome position (GRCh38, 1-based): chr15:84,645,497, C>A on the plus strand (G>T on the coding strand, the complement: WDR73 is on the minus strand). VCF-style: chr15-84645497-C-A. GRCh37 (hg19) VCF-style: chr15-85188728-C-A.
Other names: c.857G>T (NM_032856.2); short protein forms G286V.
Identifiers: ClinVar variation 2160070 (VCV002160070.6), dbSNP rs746926275, ClinGen allele CA7707241.
Genomic context (GRCh38, chr15:84,645,497, plus strand): 5'-TCAGATAACAAGACGAAATCCTGCTCGGCAGTACCTGAGATGGCCAAGCAATTCTTCAGG[C>A]CTGGGGCCCAAGTCACTCGCAGCAGCTCTGGGTCAGGGCTAGGTACGGATACTGGGCACT-3'
Protein context (NP_116245.2, residues 276-296): PELLRVTWAP[Gly286Val]LKNCLAISGF